The following is an entry in ClinVar:

ClinVar aggregate classification (germline): Pathogenic (1 of 4 stars; one submission).

Conditions:
Hereditary breast ovarian cancer syndrome. Also called: Hereditary breast and/or ovarian cancer syndrome; Hereditary breast and ovarian cancer syndrome; Hereditary breast and ovarian cancer; Hereditary breast and ovarian cancer syndrome (HBOC); Breast and ovarian cancer; BRCA1- and BRCA2-Associated Hereditary Breast and Ovarian Cancer. Identifiers: Orphanet 145, MedGen C0677776, MeSH D061325, MONDO:0003582. Disease mechanism: loss of function.

Submission:

Labcorp Genetics (formerly Invitae), Labcorp
Classification: Pathogenic for Hereditary breast ovarian cancer syndrome. Last evaluated: 2022-02-11. Review status: criteria provided, single submitter. Criteria: Invitae Variant Classification Sherloc (09022015). Collection method: clinical testing. Allele origin: germline.
Comment: This sequence change creates a premature translational stop signal (p.Cys2212Phefs*17) in the BRCA2 gene. It is expected to result in an absent or disrupted protein product. Loss-of-function variants in BRCA2 are known to be pathogenic (PMID: 20104584). This variant is not present in population databases (gnomAD no frequency). This variant has not been reported in the literature in individuals affected with BRCA2-related conditions. For these reasons, this variant has been classified as Pathogenic.

Literature cited by the submitters: PubMed 20104584.

NM_000059.4(BRCA2):c.6635del (p.Cys2212fs)

Gene: BRCA2 (BRCA2 DNA repair associated; plus strand). Cytogenetic location: 13q13.1.
Variant type: Deletion.
Coding change: c.6635del on transcript NM_000059.4 (MANE Select); coding-DNA position 6635, one base deleted (G; older notation c.6635delG).
Protein change: p.Cys2212fs; shifts the reading frame from cysteine 2212.
Molecular consequence: frameshift variant.
Genome position (GRCh38, 1-based): chr13:32,340,990, G deleted. VCF-style (leftmost placement, unchanged base first): chr13-32340989-TG-T. GRCh37 (hg19) VCF-style: chr13-32915126-TG-T.
Other names: c.6635delG, p.Cys2212Phefs (NM_001406719.1, NM_001406720.1); short protein forms C2212fs.
Identifiers: ClinVar variation 2096859 (VCV002096859.4), dbSNP rs2548533766, ClinGen allele CA2580088041.